The following is an entry in ClinVar:

NM_001367479.1(DNAH14):c.11861G>A (p.Arg3954His)

Gene: DNAH14 (dynein axonemal heavy chain 14; plus strand). Cytogenetic location: 1q42.12.
Variant type: single nucleotide variant.
Coding change: c.11861G>A on transcript NM_001367479.1 (MANE Select); coding-DNA position 11861, G replaced by A.
Protein change: p.Arg3954His; replaces arginine 3954 with histidine.
Molecular consequence: missense variant.
Genome position (GRCh38, 1-based): chr1:225,360,765, G>A. VCF-style: chr1-225360765-G-A. GRCh37 (hg19) VCF-style: chr1-225548467-G-A.
Other names: NM_001373.1:c.11582G>A; short protein forms R3954H.
Identifiers: ClinVar variation 3907833 (VCV003907833.2).

ClinVar aggregate classification (germline): Uncertain significance (1 of 4 stars; one submission).

gnomAD v4.1: 119 of 1,551,696 alleles (0.0077%); highest among the groups gnomAD compares: East Asian, 0.081%; no homozygotes.

Submission:

GeneDx
Classification: Uncertain significance. Last evaluated: 2025-07-12. Review status: criteria provided, single submitter. Criteria: GeneDx Variant Classification Process June 2021. Collection method: clinical testing. Allele origin: germline.
Comment: In silico analysis supports that this missense variant has a deleterious effect on protein structure/function; Has not been previously published as pathogenic or benign to our knowledge